The following is an entry in ClinVar:

NM_004727.3(SLC24A1):c.1804T>C (p.Trp602Arg)

Gene: SLC24A1 (solute carrier family 24 member 1; plus strand). Cytogenetic location: 15q22.31.
Variant type: single nucleotide variant.
Coding change: c.1804T>C on transcript NM_004727.3 (MANE Select); coding-DNA position 1804, T replaced by C.
Protein change: p.Trp602Arg; replaces tryptophan 602 with arginine.
Molecular consequence: missense variant.
Genome position (GRCh38, 1-based): chr15:65,625,884, T>C. VCF-style: chr15-65625884-T-C. GRCh37 (hg19) VCF-style: chr15-65918222-T-C.
Other names: c.1804T>C, p.Trp602Arg (NM_001301031.1, NM_001301032.1, NM_001301033.2); short protein forms W602R.
Identifiers: ClinVar variation 1450227 (VCV001450227.9), dbSNP rs1318556877, ClinGen allele CA392918693.

ClinVar aggregate classification (germline): Uncertain significance. Review status: criteria provided, multiple submitters, no conflicts (2 of 4 stars). 2 submissions from 2 submitters: Uncertain significance (2). Last evaluated 2022-11-15.

Allele frequency attached by ClinVar (database versions not stated): gnomAD exomes below 0.00001 and 0.00001; gnomAD 0.00001; TOPMed 0.00001.
gnomAD v4.1: 9 of 1,613,828 alleles (0.00056%); highest among the groups gnomAD compares: Non-Finnish European, 0.00076%; no homozygotes.

Submissions (2):

Labcorp Genetics (formerly Invitae), Labcorp
Classification: Uncertain significance. Last evaluated: 2022-11-15. Review status: criteria provided, single submitter. Criteria: Invitae Variant Classification Sherloc (09022015). Collection method: clinical testing. Allele origin: germline.
Comment: In summary, the available evidence is currently insufficient to determine the role of this variant in disease. Therefore, it has been classified as a Variant of Uncertain Significance. Algorithms developed to predict the effect of missense changes on protein structure and function are either unavailable or do not agree on the potential impact of this missense change (SIFT: "Deleterious"; PolyPhen-2: "Possibly Damaging"; Align-GVGD: "Class C0"). ClinVar contains an entry for this variant (Variation ID: 1450227). This variant has not been reported in the literature in individuals affected with SLC24A1-related conditions. This variant is present in population databases (no rsID available, gnomAD 0.0009%). This sequence change replaces tryptophan, which is neutral and slightly polar, with arginine, which is basic and polar, at codon 602 of the SLC24A1 protein (p.Trp602Arg).

Blueprint Genetics
Classification: Uncertain significance. Last evaluated: 2022-06-24. Review status: criteria provided, single submitter. Criteria: ACMG Guidelines, 2015. Collection method: clinical testing. Allele origin: germline.